The following is an entry in ClinVar:

NM_001843.4(CNTN1):c.90T>C (p.His30=)

Gene: CNTN1 (contactin 1; plus strand). Cytogenetic location: 12q12.
Variant type: single nucleotide variant.
Coding change: c.90T>C on transcript NM_001843.4 (MANE Select); coding-DNA position 90, T replaced by C.
Protein change: p.His30=; no amino-acid change (histidine 30 retained).
Molecular consequence: synonymous variant. On other transcripts: intron variant (1).
Genome position (GRCh38, 1-based): chr12:40,910,101, T>C. VCF-style: chr12-40910101-T-C. GRCh37 (hg19) VCF-style: chr12-41303903-T-C.
Other names: c.90T>C, p.His30= (NM_001256063.2, NM_001256064.2); c.61+1608T>C (NM_175038.2).
Identifiers: ClinVar variation 258204 (VCV000258204.45), dbSNP rs61748365, ClinGen allele CA6516520.

ClinVar aggregate classification (germline): Benign. Review status: criteria provided, multiple submitters, no conflicts (2 of 4 stars). 6 submissions from 6 submitters: Benign (6). Last evaluated 2026-09-01.

Conditions:
Compton-North congenital myopathy (CMYO12). Identifiers: Orphanet 210163, MedGen C2675527, MONDO:0012929, OMIM 612540.

Allele frequency attached by ClinVar (database versions not stated): 1000 Genomes Project 30x 0.00141; 1000 Genomes Project 0.00160; ExAC 0.00576; gnomAD exomes 0.00624 and 0.01160; gnomAD 0.00683 and 0.00707; TOPMed 0.00746; ESP Exome Variant Server 0.00831.
gnomAD v4.1: 17,776 of 1,605,248 alleles (1.1%); highest among the groups gnomAD compares: Non-Finnish European, 1.4%; 149 homozygotes.

Submissions (6):

CeGaT Center for Human Genetics Tuebingen
Classification: Benign. Last evaluated: 2026-09-01. Review status: criteria provided, single submitter. Criteria: CeGaT Center For Human Genetics Tuebingen Variant Classification Criteria Version 2. Collection method: clinical testing. Allele origin: germline. Affected: yes. Observed: 24 variant alleles.
Comment: CNTN1: BP4, BP7, BS1, BS2

Labcorp Genetics (formerly Invitae), Labcorp
Classification: Benign for Compton-North congenital myopathy. Last evaluated: 2026-02-01. Review status: criteria provided, single submitter. Criteria: Invitae Variant Classification Sherloc (09022015). Collection method: clinical testing. Allele origin: germline.

Athena Diagnostics
Classification: Benign. Last evaluated: 2019-02-27. Review status: criteria provided, single submitter. Criteria: Athena Diagnostics Criteria. Collection method: clinical testing. Allele origin: germline.

GeneDx
Classification: Benign. Last evaluated: 2016-03-02. Review status: criteria provided, single submitter. Criteria: GeneDx Variant Classification (06012015). Collection method: clinical testing. Allele origin: germline. Affected: yes.
Comment: This variant is considered likely benign or benign based on one or more of the following criteria: it is a conservative change, it occurs at a poorly conserved position in the protein, it is predicted to be benign by multiple in silico algorithms, and/or has population frequency not consistent with disease.

Breakthrough Genomics
Classification: Benign. Review status: criteria provided, single submitter. Criteria: ACMG Guidelines, 2015. Collection method: not provided. Allele origin: germline. Inheritance: Autosomal recessive inheritance. Affected: yes.

PreventionGenetics, part of Exact Sciences
Classification: Benign. Review status: criteria provided, single submitter. Criteria: ACMG Guidelines, 2015. Collection method: clinical testing. Allele origin: germline.